The following is an entry in ClinVar:

ClinVar aggregate classification (germline): Pathogenic (1 of 4 stars; one submission).

Conditions:
Aicardi-Goutieres syndrome 5. Identifiers: Orphanet 51, MedGen C2749659, MONDO:0013059, OMIM 612952.

Submission:

Labcorp Genetics (formerly Invitae), Labcorp
Classification: Pathogenic for Aicardi-Goutieres syndrome 5. Last evaluated: 2023-08-31. Review status: criteria provided, single submitter. Criteria: Invitae Variant Classification Sherloc (09022015). Collection method: clinical testing. Allele origin: germline.
Comment: For these reasons, this variant has been classified as Pathogenic. This variant disrupts a region of the SAMHD1 protein in which other variant(s) (p.Arg143His) have been determined to be pathogenic (PMID: 19525956, 28229507, 29379009, 33683010; Invitae). This suggests that this is a clinically significant region of the protein, and that variants that disrupt it are likely to be disease-causing. This variant has not been reported in the literature in individuals affected with SAMHD1-related conditions. This variant is a gross deletion of the genomic region encompassing exon(s) 3-4 of the SAMHD1 gene. This variant would be expected to be in-frame, preserving the integrity of the reading frame.

Literature cited by the submitters: PubMed 19525956; PubMed 28229507; PubMed 29379009; PubMed 33683010.

NC_000020.10:g.(?_35563412)_(35569534_?)del

Gene: SAMHD1 (SAM and HD domain containing deoxynucleoside triphosphate triphosphohydrolase 1; minus strand). Cytogenetic location: 20q11.23.
Variant type: Deletion.
Identifiers: ClinVar variation 1411961 (VCV001411961.6).